The following is an entry in ClinVar:

ClinVar aggregate classification (germline): Pathogenic/Likely pathogenic. Review status: criteria provided, multiple submitters, no conflicts (2 of 4 stars). 8 submissions from 8 submitters: Pathogenic (3); Likely pathogenic (3). 2 of the submissions do not count toward it. Last evaluated 2026-01-09.

Conditions:
Inherited ovarian cancer (without breast cancer).
Breast and/or ovarian cancer. Identifiers: MedGen CN221562.
Hereditary cancer-predisposing syndrome. Also called: Neoplastic Syndromes, Hereditary; Tumor predisposition; Hereditary neoplastic syndrome; Hereditary Cancer Syndrome. Identifiers: Orphanet 140162, MedGen C0027672, MeSH D009386, MONDO:0015356.
Hereditary breast ovarian cancer syndrome. Also called: Breast and ovarian cancer; Hereditary breast and/or ovarian cancer syndrome; Hereditary breast and ovarian cancer syndrome (HBOC); Hereditary breast and ovarian cancer; Hereditary breast and ovarian cancer syndrome; BRCA1- and BRCA2-Associated Hereditary Breast and Ovarian Cancer. Identifiers: Orphanet 145, MedGen C0677776, MeSH D061325, MONDO:0003582. Disease mechanism: loss of function.
Breast-ovarian cancer, familial, susceptibility to, 1 (BROVCA1). Also called: BRCA1 Hereditary Breast and Ovarian Cancer; OVARIAN CANCER, SUSCEPTIBILITY TO. Identifiers: Orphanet 145, MedGen C2676676, MONDO:0011450, OMIM 604370. Disease mechanism: loss of function.

Submissions (9):

Genetics Laboratory, Great Ormond Street Hospital NHS Foundation Trust, North Thames Genomic Laboratory Hub
Classification: Likely pathogenic for Inherited ovarian cancer (without breast cancer). Last evaluated: 2026-01-09. Review status: criteria provided, single submitter. Criteria: CanVIG BRCA Gene Specific V1.22. Collection method: clinical testing. Allele origin: germline. Affected: yes.
Comment: PS4_supporting, PM2_moderate, PP3_supporting, PM5_moderate, PS3_strong, BP5_moderate

Labcorp Genetics (formerly Invitae), Labcorp
Classification: Likely pathogenic for Hereditary breast ovarian cancer syndrome. Last evaluated: 2024-08-22. Review status: criteria provided, single submitter. Criteria: Invitae Variant Classification Sherloc (09022015). Collection method: clinical testing. Allele origin: germline.
Comment: This sequence change replaces cysteine, which is neutral and slightly polar, with phenylalanine, which is neutral and non-polar, at codon 39 of the BRCA1 protein (p.Cys39Phe). This variant is not present in population databases (gnomAD no frequency). This missense change has been observed in individual(s) with breast cancer and/or ovarian cancer (PMID: 28888541, 29446198, 33278427). ClinVar contains an entry for this variant (Variation ID: 37393). Invitae Evidence Modeling incorporating data from in vitro experimental studies (PMID: 30209399) indicates that this missense variant is expected to disrupt BRCA1 function with a positive predictive value of 95%. Experimental studies have shown that this missense change affects BRCA1 function (PMID: 30209399). This variant disrupts the p.Cys39 amino acid residue in BRCA1. Other variant(s) that disrupt this residue have been determined to be pathogenic (PMID: 9808526, 11320250, 12827452, 19543972, 21725363, 21922593, 21990134, 22843421, 23161852, 24489791). This suggests that this residue is clinically significant, and that variants that disrupt this residue are likely to be disease-causing. In summary, the currently available evidence indicates that the variant is pathogenic, but additional data are needed to prove that conclusively. Therefore, this variant has been classified as Likely Pathogenic.

Ambry Genetics
Classification: Pathogenic for Hereditary cancer-predisposing syndrome. Last evaluated: 2024-07-05. Review status: criteria provided, single submitter. Criteria: Ambry Variant Classification Scheme 2023. Collection method: clinical testing. Allele origin: germline.
Comment: The p.C39F variant (also known as c.116G>T), located in coding exon 2 of the BRCA1 gene, results from a G to T substitution at nucleotide position 116. The cysteine at codon 39 is replaced by phenylalanine, an amino acid with highly dissimilar properties. This alteration was identified in a large, worldwide study of BRCA1/2 mutation positive families (Rebbeck TR et al. Hum Mutat, 2018 05;39:593-620). This nucleotide substitution was non-functional in a high-throughput, genome editing, haploid cell survival assay (Findlay GM et al. Nature, 2018 10;562:217-222), and demonstrated impaired BARD1 binding and E3 Ubiquitin Ligase activity (Starita LM et al. Genetics, 2015 Jun;200:413-22). Additionally, codon 39 is located in a critical region of the BRCA1 protein RING domain. Multiple alterations at this codon, including p.C39R, p.C39Y, and p.C39S have been shown to alter the structure of the RING domain and negatively impact protein function and binding (Ruffner H et al. Proc Natl Acad Sci U S A. 2001 Apr 24;98(9):5134-9; Brzovic PS et al. Proc Natl Acad Sci USA. 2003 May;100(10):5646-51; Ransburgh DJ et al. Cancer Res. 2010 Feb 1;70(3):988-95; Sweet K et al. Breast Cancer Res Treat. 2010 Feb;119(3):737-43). This amino acid position is highly conserved in available vertebrate species. In addition, this alteration is predicted to be deleterious by in silico analysis. Based on the supporting evidence, this alteration is interpreted as a disease-causing mutation.

Color Diagnostics, LLC DBA Color Health
Classification: Pathogenic for Hereditary cancer-predisposing syndrome. Last evaluated: 2022-03-07. Review status: criteria provided, single submitter. Criteria: ACMG Guidelines, 2015. Collection method: clinical testing. Allele origin: germline.
Comment: This missense variant replaces cysteine with phenylalanine at codon 39 in the RING domain of the BRCA1 protein. Computational prediction suggests that this variant may have deleterious impact on protein structure and function (internally defined REVEL score threshold >= 0.7, PMID: 27666373). Functional studies have shown that this mutant protein has decreased ubiquitin protein ligase activity and is deficient in BARD1 binding, and is predicted to be non-functional for homology-directed DNA repair (PMID: 25823446, 30219179). This variant has been reported to be loss-of-function in a haploid cell proliferation assay (PMID: 30209399). This variant has been reported in individuals affected with breast cancer (PMID: 33278427), and has been identified in one family among the CIMBA participants (PMID: 29446198). This variant has not been identified in the general population by the Genome Aggregation Database (gnomAD). Different variants affecting the same codon, c.115T>A (p.Cys39Ser), c.115T>C (p.Cys39Arg), c.115T>G (p.Cys39Gly), c.116G>A (p.Cys39Tyr), and c.117T>G (p.Cys39Trp) are considered to be disease-causing (ClinVar variation ID: 54151, 54152, 54153, 37392, 267497), supporting that the cysteine at this position is important for protein function. Based on the available evidence, this variant is classified as Pathogenic.

CHEO Genetics Diagnostic Laboratory, Children's Hospital of Eastern Ontario
Classification: Likely pathogenic for Breast and/or ovarian cancer. Last evaluated: 2022-01-12. Review status: criteria provided, single submitter. Criteria: ACMG Guidelines, 2015. Collection method: clinical testing. Allele origin: germline.

Consortium of Investigators of Modifiers of BRCA1/2 (CIMBA), c/o University of Cambridge
Classification: Pathogenic for Breast-ovarian cancer, familial, susceptibility to, 1. Last evaluated: 2015-10-02. Review status: criteria provided, single submitter. Criteria: CIMBA Mutation Classification guidelines May 2016. Collection method: clinical testing. Allele origin: germline.

BRCAlab, Lund University
Classification: Likely pathogenic for Breast-ovarian cancer, familial, susceptibility to, 1. Last evaluated: 2020-03-02. Review status: no assertion criteria provided. Collection method: clinical testing. Allele origin: germline. Affected: yes. Not counted in ClinVar's aggregate classification.

Sharing Clinical Reports Project (SCRP)
Classification: Pathogenic for Breast-ovarian cancer, familial 1. Last evaluated: 2010-12-20. Review status: no assertion criteria provided. Collection method: clinical testing. Allele origin: germline. Not counted in ClinVar's aggregate classification.

Brotman Baty Institute, University of Washington
No classification provided (evidence only). Condition: Breast-ovarian cancer, familial 1. Review status: no classification provided. Collection method: in vitro. Allele origin: not applicable. Functional consequence: functionally_abnormal. Not counted in ClinVar's aggregate classification.
ClinVar note: "not provided" was previously submitted as the classification for the variant. However, the classification appeared to be based only on an observation of functional data so it was converted to no classification on 2025-07-30.

Literature cited by the submitters: PubMed 28888541 (cited by Labcorp Genetics (formerly Invitae), Labcorp); PubMed 29446198 (cited by 3 submitters); PubMed 33278427 (cited by Labcorp Genetics (formerly Invitae), Labcorp and Color Diagnostics, LLC DBA Color Health); PubMed 30209399 (cited by 3 submitters); PubMed 9808526 (cited by Labcorp Genetics (formerly Invitae), Labcorp); PubMed 11320250 (cited by Labcorp Genetics (formerly Invitae), Labcorp); PubMed 12827452 (cited by Labcorp Genetics (formerly Invitae), Labcorp); PubMed 19543972 (cited by Labcorp Genetics (formerly Invitae), Labcorp); PubMed 21725363 (cited by Labcorp Genetics (formerly Invitae), Labcorp); PubMed 21922593 (cited by Labcorp Genetics (formerly Invitae), Labcorp); PubMed 21990134 (cited by Labcorp Genetics (formerly Invitae), Labcorp); PubMed 22843421 (cited by Labcorp Genetics (formerly Invitae), Labcorp); PubMed 23161852 (cited by Labcorp Genetics (formerly Invitae), Labcorp); PubMed 24489791 (cited by Labcorp Genetics (formerly Invitae), Labcorp); PubMed 25823446 (cited by Ambry Genetics and Color Diagnostics, LLC DBA Color Health); PubMed 30219179 (cited by Color Diagnostics, LLC DBA Color Health).

NM_007294.4(BRCA1):c.116G>T (p.Cys39Phe)

Gene: BRCA1 (BRCA1 DNA repair associated; minus strand). Cytogenetic location: 17q21.31.
Variant type: single nucleotide variant.
Coding change: c.116G>T on transcript NM_007294.4 (MANE Select); coding-DNA position 116, G replaced by T.
Protein change: p.Cys39Phe; replaces cysteine 39 with phenylalanine.
Molecular consequence: missense variant. On other transcripts: non-coding transcript variant (1), intron variant (1).
Genome position (GRCh38, 1-based): chr17:43,115,744, C>A on the plus strand (G>T on the coding strand, the complement: BRCA1 is on the minus strand). VCF-style: chr17-43115744-C-A. GRCh37 (hg19) VCF-style: chr17-41267761-C-A.
Other names: 235G>T; c.116G>T, p.Cys39Phe (NM_001407629.1, NM_001407630.1, NM_001407631.1 and 192 more transcripts); c.-142G>T (NM_001407694.1, NM_001407696.1, NM_001407724.1 and 13 more transcripts); c.-146G>T (NM_001407695.1, NM_001408465.1); c.-26G>T (NM_001407697.1, NM_001407725.1, NM_001407728.1 and 47 more transcripts); c.-22G>T (NM_001407841.1); c.-73G>T (NM_001407853.1, NM_001407879.1, NM_001407882.1 and 52 more transcripts); c.-189G>T (NM_001407889.1, NM_001407900.1, NM_001408492.1); and 3 more; short protein forms C39F.
Identifiers: ClinVar variation 37393 (VCV000037393.26), dbSNP rs80357498, ClinGen allele CA000773.